The following is an entry in ClinVar:

NM_001270974.2(HYDIN):c.417G>A (p.Ser139=)

Gene: HYDIN (HYDIN axonemal central pair apparatus protein; minus strand). Cytogenetic location: 16q22.2.
Variant type: single nucleotide variant.
Coding change: c.417G>A on transcript NM_001270974.2 (MANE Select); coding-DNA position 417, G replaced by A.
Protein change: p.Ser139=; no amino-acid change (serine 139 retained).
Molecular consequence: synonymous variant.
Genome position (GRCh38, 1-based): chr16:71,175,706, C>T on the plus strand (G>A on the coding strand, the complement: HYDIN is on the minus strand). VCF-style: chr16-71175706-C-T. GRCh37 (hg19) VCF-style: chr16-71209609-C-T.
Other names: c.498G>A, p.Ser166= (NM_001198542.1); c.468G>A, p.Ser156= (NM_001198543.1); c.417G>A, p.Ser139= (NM_017558.5).
Identifiers: ClinVar variation 2646797 (VCV002646797.25), dbSNP rs529209604, ClinGen allele CA8151573.
Genomic context (GRCh38, chr16:71,175,706, plus strand): 5'-AGGCACTCCAGGAGCCACTTTGTGGCCAATATCTTTGGGGCTGATTACTTTAAAGTAAGG[C>T]GAACTTTCTTCCACAACTTTCACCAACCTTGGAATCTGCAGGGAAACACATGATGATGAA-3'
Protein context (NP_001257903.1, residues 129-149): PRLVKVVEES[Ser139=]PYFKVISPKD

ClinVar aggregate classification (germline): Likely benign. Review status: criteria provided, multiple submitters, no conflicts (2 of 4 stars). 2 submissions from 2 submitters: Likely benign (2). Last evaluated 2022-05-01.

Allele frequency attached by ClinVar (database versions not stated): TOPMed 0.00001; ExAC 0.00002; gnomAD 0.00002; 1000 Genomes Project 0.00020; 1000 Genomes Project 30x 0.00031.
gnomAD v4.1: 18 of 1,614,112 alleles (0.0011%); highest among the groups gnomAD compares: South Asian, 0.0077%; 1 homozygote.

Submissions (2):

CeGaT Center for Human Genetics Tuebingen
Classification: Likely benign. Last evaluated: 2022-05-01. Review status: criteria provided, single submitter. Criteria: CeGaT Center For Human Genetics Tuebingen Variant Classification Criteria Version 2. Collection method: clinical testing. Allele origin: germline. Affected: yes. Observed: 1 variant allele.
Comment: HYDIN: BP4, BP7

Blueprint Genetics
Classification: Likely benign. Last evaluated: 2020-12-13. Review status: criteria provided, single submitter. Criteria: ACMG Guidelines, 2015. Collection method: clinical testing. Allele origin: germline.